The following is an entry in ClinVar:

NM_001379500.1(COL18A1):c.3344C>A (p.Pro1115His)

Genes: SLC19A1 (solute carrier family 19 member 1; minus strand), COL18A1 (collagen type XVIII alpha 1 chain; plus strand). Cytogenetic location: 21q22.3.
Variant type: single nucleotide variant.
Coding change: c.3344C>A on transcript NM_001379500.1 (MANE Select); coding-DNA position 3344, C replaced by A.
Protein change: p.Pro1115His; replaces proline 1115 with histidine.
Molecular consequence: missense variant.
Genome position (GRCh38, 1-based): chr21:45,509,450, C>A. VCF-style: chr21-45509450-C-A. GRCh37 (hg19) VCF-style: chr21-46929364-C-A.
Other names: c.3875C>A, p.Pro1292His (NM_030582.4); c.4580C>A, p.Pro1527His (NM_130444.3); short protein forms P1115H, P1527H, P1292H.
Identifiers: ClinVar variation 4722883 (VCV004722883.1).
Genomic context (GRCh38, chr21:45,509,450, plus strand): 5'-TGCAGCTGCACGACAGCAACCCCTACCCGCGGCGGGAGCACCCCCACCCCACCGCGCGGC[C>A]CTGGCGGGCAGATGACATCCTGGCCAGCCCCCCTCGCCTGCCCGAGCCCCAGCCCTACCC-3'
Protein context (NP_001366429.1, residues 1105-1125): RREHPHPTAR[Pro1115His]WRADDILASP

ClinVar aggregate classification (germline): Uncertain significance (1 of 4 stars; one submission).

Submission:

Labcorp Genetics (formerly Invitae), Labcorp
Classification: Uncertain significance. Last evaluated: 2025-07-09. Review status: criteria provided, single submitter. Criteria: Invitae Variant Classification Sherloc (09022015). Collection method: clinical testing. Allele origin: germline.
Comment: This sequence change replaces proline, which is neutral and non-polar, with histidine, which is basic and polar, at codon 1112 of the COL18A1 protein (p.Pro1112His). This variant is not present in population databases (gnomAD no frequency). This variant has not been reported in the literature in individuals affected with COL18A1-related conditions. Experimental studies and prediction algorithms are not available or were not evaluated, and the functional significance of this variant is currently unknown. In summary, the available evidence is currently insufficient to determine the role of this variant in disease. Therefore, it has been classified as a Variant of Uncertain Significance.